The following is an entry in ClinVar:

NM_005359.6(SMAD4):c.668-10G>C

Gene: SMAD4 (SMAD family member 4; plus strand). Cytogenetic location: 18q21.2.
Variant type: single nucleotide variant.
Coding change: c.668-10G>C on transcript NM_005359.6 (MANE Select); 10 bases into the intron before coding-DNA position 668, G replaced by C.
Molecular consequence: intron variant.
Genome position (GRCh38, 1-based): chr18:51,058,115, G>C. VCF-style: chr18-51058115-G-C. GRCh37 (hg19) VCF-style: chr18-48584485-G-C.
Other names: c.668-10G>C (NM_001407042.1, NM_001407041.1, NM_001407043.1).
Identifiers: ClinVar variation 3658848 (VCV003658848.3).

ClinVar aggregate classification (germline): Likely benign. Review status: criteria provided, multiple submitters, no conflicts (2 of 4 stars). 2 submissions from 2 submitters: Likely benign (2). Last evaluated 2025-03-19.

Conditions:
Juvenile polyposis/hereditary hemorrhagic telangiectasia syndrome (JPHT). Also called: JP/HHT SYNDROME; JUVENILE POLYPOSIS WITH HEREDITARY HEMORRHAGIC TELANGIECTASIA; POLYPOSIS, GENERALIZED JUVENILE, WITH PULMONARY ARTERIOVENOUS MALFORMATION; TELANGIECTASIA, HEREDITARY HEMORRHAGIC, WITH JUVENILE POLYPOSIS COLI; Juvenile Polyposis Syndrome / Hereditary Hemorrhagic Telangiectasia (JPS/HHT). Identifiers: Orphanet 2929, MedGen C1832942, MONDO:0008278, OMIM 175050.
Juvenile polyposis syndrome (JPS). Identifiers: Orphanet 2929, MedGen C0345893, MONDO:0017380, OMIM 174900.

gnomAD v4.1: 3 of 1,613,976 alleles (0.00019%); highest among the groups gnomAD compares: Non-Finnish European, 0.00025%; no homozygotes.

Submissions (2):

Myriad Genetics, Inc.
Classification: Likely benign for Juvenile polyposis/hereditary hemorrhagic telangiectasia syndrome. Last evaluated: 2025-03-19. Review status: criteria provided, single submitter. Criteria: Myriad Autosomal Dominant, Autosomal Recessive and X-Linked Classification Criteria (2023). Collection method: clinical testing. Allele origin: unknown.
Comment: This variant is considered likely benign. This variant is intronic and is not expected to impact mRNA splicing.

Labcorp Genetics (formerly Invitae), Labcorp
Classification: Likely benign for Juvenile polyposis syndrome. Last evaluated: 2024-07-13. Review status: criteria provided, single submitter. Criteria: Invitae Variant Classification Sherloc (09022015). Collection method: clinical testing. Allele origin: germline.